The following is an entry in ClinVar:

NM_015158.5(KANK1):c.2143C>T (p.Arg715Trp)

Gene: KANK1 (KN motif and ankyrin repeat domains 1; plus strand). Cytogenetic location: 9p24.3.
Variant type: single nucleotide variant.
Coding change: c.2143C>T on transcript NM_015158.5 (MANE Select); coding-DNA position 2143, C replaced by T.
Protein change: p.Arg715Trp; replaces arginine 715 with tryptophan.
Molecular consequence: missense variant. On other transcripts: non-coding transcript variant (1).
Genome position (GRCh38, 1-based): chr9:712,909, C>T. VCF-style: chr9-712909-C-T. GRCh37 (hg19) VCF-style: chr9-712909-C-T.
Other names: c.2143C>T, p.Arg715Trp (NM_001256876.3, NM_001256877.3, NM_001354331.2 and 2 more transcripts); c.1669C>T, p.Arg557Trp (NM_001354333.2, NM_001354335.2, NM_001354336.2 and 9 more transcripts); short protein forms R557W, R715W.
Identifiers: ClinVar variation 1389984 (VCV001389984.7), dbSNP rs780258278, ClinGen allele CA4960434.
Genomic context (GRCh38, chr9:712,909, plus strand): 5'-TGCACCAACACTTGTCTAAGCACTTTGGACAAGCAGACCAGCACCCAGACTGTGGAGACG[C>T]GGACAGTAGCTGTAGGAGAAGGCCGTGTCAAGGACATCAACTCCTCCACCAAGACGCGGT-3'
Protein context (NP_055973.2, residues 705-725): KQTSTQTVET[Arg715Trp]TVAVGEGRVK

ClinVar aggregate classification (germline): Uncertain significance. Review status: criteria provided, multiple submitters, no conflicts (2 of 4 stars). 2 submissions from 2 submitters: Uncertain significance (2). Last evaluated 2025-06-27.

Conditions:
Cerebral palsy, spastic quadriplegic, 2 (CPSQ2). Identifiers: Orphanet 210141, MedGen C2752061, MONDO:0013033, OMIM 612900.

Allele frequency attached by ClinVar (database versions not stated): gnomAD 0.00001 and 0.00003; TOPMed 0.00001; ExAC 0.00003; gnomAD exomes 0.00004.
gnomAD v4.1: 46 of 1,613,920 alleles (0.0029%); highest among the groups gnomAD compares: South Asian, 0.024%; 1 homozygote.

Submissions (2):

Labcorp Genetics (formerly Invitae), Labcorp
Classification: Uncertain significance. Last evaluated: 2025-06-27. Review status: criteria provided, single submitter. Criteria: Invitae Variant Classification Sherloc (09022015). Collection method: clinical testing. Allele origin: germline.
Comment: This sequence change replaces arginine, which is basic and polar, with tryptophan, which is neutral and slightly polar, at codon 715 of the KANK1 protein (p.Arg715Trp). This variant is present in population databases (rs780258278, gnomAD 0.03%). This variant has not been reported in the literature in individuals affected with KANK1-related conditions. ClinVar contains an entry for this variant (Variation ID: 1389984). Invitae Evidence Modeling of protein sequence and biophysical properties (such as structural, functional, and spatial information, amino acid conservation, physicochemical variation, residue mobility, and thermodynamic stability) indicates that this missense variant is expected to disrupt KANK1 protein function with a positive predictive value of 80%. In summary, the available evidence is currently insufficient to determine the role of this variant in disease. Therefore, it has been classified as a Variant of Uncertain Significance.

Fulgent Genetics
Classification: Uncertain significance for Cerebral palsy, spastic quadriplegic, 2. Last evaluated: 2022-05-06. Review status: criteria provided, single submitter. Criteria: ACMG Guidelines, 2015. Collection method: clinical testing. Allele origin: unknown.